The following is an entry in ClinVar:

ClinVar aggregate classification (germline): Likely pathogenic (1 of 4 stars; one submission).

Conditions:
Glycogen storage disease, type I. Identifiers: Orphanet 364, MedGen C0017920, MONDO:0002413.

Submission:

Myriad Genetics, Inc.
Classification: Likely pathogenic for Glycogen storage disease, type I. Last evaluated: 2026-07-14. Review status: criteria provided, single submitter. Criteria: Myriad Autosomal Dominant, Autosomal Recessive and X-Linked Classification Criteria (2023). Collection method: clinical testing. Allele origin: unknown.
Comment: NM_001164277.1(SLC37A4):c.625+2delT is a variant in a canonical splice site classified as likely pathogenic in the context of glycogen storage disease type Ib. c.625+2delT has not been observed in cases with relevant disease. Relevant functional assessments of this variant are not available in the literature. c.625+2delT has not been observed in referenced population frequency databases. In summary, NM_001164277.1(SLC37A4):c.625+2delT is a variant in a canonical splice site in a gene where loss of function is a known mechanism of disease and is predicted to disrupt protein function. Please note: this variant was assessed in the context of healthy population screening.

NM_001164277.2(SLC37A4):c.626+2del

Gene: SLC37A4 (solute carrier family 37 member 4; minus strand). Cytogenetic location: 11q23.3.
Variant type: Deletion.
Coding change: c.626+2del on transcript NM_001164277.2 (MANE Select); the canonical splice donor site of the intron after coding-DNA position 626, one base deleted (T; older notation c.626+2delT).
Molecular consequence: splice donor variant.
Genome position (GRCh38, 1-based): chr11:119,027,626, A deleted on the plus strand (T on the coding strand, the reverse complement: SLC37A4 is on the minus strand). VCF-style (leftmost placement, unchanged base first): chr11-119027625-CA-C. GRCh37 (hg19) VCF-style: chr11-118898335-CA-C.
Other names: c.407+2del (NM_001164279.2); c.626+2del (NM_001467.6, NM_001164278.2, NM_001164280.2).
Identifiers: ClinVar variation 5003370 (VCV005003370.1).